The following is an entry in ClinVar:

NM_001330260.2(SCN8A):c.1125G>T (p.Leu375Phe)

Gene: SCN8A (sodium voltage-gated channel alpha subunit 8; plus strand). Cytogenetic location: 12q13.13.
Variant type: single nucleotide variant.
Coding change: c.1125G>T on transcript NM_001330260.2 (MANE Select); coding-DNA position 1125, G replaced by T.
Protein change: p.Leu375Phe; replaces leucine 375 with phenylalanine.
Molecular consequence: missense variant.
Genome position (GRCh38, 1-based): chr12:51,702,905, G>T. VCF-style: chr12-51702905-G-T. GRCh37 (hg19) VCF-style: chr12-52096689-G-T.
Other names: c.1125G>T, p.Leu375Phe (NM_001177984.3, NM_001369788.1, NM_014191.4); short protein forms L375F.
Identifiers: ClinVar variation 1721480 (VCV001721480.5), dbSNP rs2138742562, ClinGen allele CA385227346.

ClinVar aggregate classification (germline): Uncertain significance (1 of 4 stars; one submission).

Conditions:
Early-infantile DEE. Also called: Early infantile epileptic encephalopathy with suppression bursts; Early infantile epileptic encephalopathy; Ohtahara syndrome. Identifiers: Orphanet 1934, MedGen C0393706, MONDO:0800491.

Submission:

Labcorp Genetics (formerly Invitae), Labcorp
Classification: Uncertain significance for Early-infantile DEE. Last evaluated: 2022-10-12. Review status: criteria provided, single submitter. Criteria: Invitae Variant Classification Sherloc (09022015). Collection method: clinical testing. Allele origin: germline.
Comment: In summary, the available evidence is currently insufficient to determine the role of this variant in disease. Therefore, it has been classified as a Variant of Uncertain Significance. Advanced modeling of protein sequence and biophysical properties (such as structural, functional, and spatial information, amino acid conservation, physicochemical variation, residue mobility, and thermodynamic stability) performed at Invitae indicates that this missense variant is expected to disrupt SCN8A protein function. This variant has not been reported in the literature in individuals affected with SCN8A-related conditions. This variant is not present in population databases (gnomAD no frequency). This sequence change replaces leucine, which is neutral and non-polar, with phenylalanine, which is neutral and non-polar, at codon 375 of the SCN8A protein (p.Leu375Phe).